The following is an entry in ClinVar:

ClinVar aggregate classification (germline): Benign/Likely benign. Review status: criteria provided, multiple submitters, no conflicts (2 of 4 stars). 5 submissions from 4 submitters: Benign (1); Likely benign (3). 1 of the submissions does not count toward it. Last evaluated 2025-11-24.

Conditions:
MYH9-related disorder. Identifiers: MedGen C1854520.
Autosomal dominant nonsyndromic hearing loss 17. Also called: Autosomal dominant nonsyndromic deafness 17; Deafness, autosomal dominant 17. Identifiers: Orphanet 90635, MedGen C1863659, MONDO:0011350, OMIM 603622.

Allele frequency attached by ClinVar (database versions not stated): gnomAD 0.00005; TOPMed 0.00010; 1000 Genomes Project 0.00040; 1000 Genomes Project 30x 0.00078.
gnomAD v4.1: 245 of 1,609,246 alleles (0.015%); highest among the groups gnomAD compares: East Asian, 0.51%; no homozygotes.

Submissions (5):

Labcorp Genetics (formerly Invitae), Labcorp
Classification: Likely benign. Last evaluated: 2025-11-24. Review status: criteria provided, single submitter. Criteria: Invitae Variant Classification Sherloc (09022015). Collection method: clinical testing. Allele origin: germline.

Illumina Laboratory Services, Illumina
Classification: Likely benign for Autosomal dominant nonsyndromic hearing loss 17. Last evaluated: 2018-01-12. Review status: criteria provided, single submitter. Criteria: ICSL Variant Classification Criteria 13 December 2019. Collection method: clinical testing. Allele origin: germline.
Comment: This variant was observed in the ICSL laboratory as part of a predisposition screen in an ostensibly healthy population. It had not been previously curated by ICSL or reported in the Human Gene Mutation Database (HGMD: prior to June 1st, 2018), and was therefore a candidate for classification through an automated scoring system. Utilizing variant allele frequency, disease prevalence and penetrance estimates, and inheritance mode, an automated score was calculated to assess if this variant is too frequent to cause the disease. Based on the score and internal cut-off values, a variant classified as likely benign is not then subjected to further curation. The score for this variant resulted in a classification of likely benign for this disease.

Illumina Laboratory Services, Illumina
Classification: Benign for MYH9-related disorder. Last evaluated: 2018-01-12. Review status: criteria provided, single submitter. Criteria: ICSL Variant Classification Criteria 13 December 2019. Collection method: clinical testing. Allele origin: germline.
Comment: This variant was observed in the ICSL laboratory as part of a predisposition screen in an ostensibly healthy population. It had not been previously curated by ICSL or reported in the Human Gene Mutation Database (HGMD: prior to June 1st, 2018), and was therefore a candidate for classification through an automated scoring system. Utilizing variant allele frequency, disease prevalence and penetrance estimates, and inheritance mode, an automated score was calculated to assess if this variant is too frequent to cause the disease. Based on the score and internal cut-off values, a variant classified as benign is not then subjected to further curation. The score for this variant resulted in a classification of benign for this disease.

Laboratory for Molecular Medicine, Mass General Brigham Personalized Medicine
Classification: Likely benign. Last evaluated: 2013-06-12. Review status: criteria provided, single submitter. Criteria: LMM Criteria. Collection method: clinical testing. Allele origin: germline. Observed: 2 variant alleles.
Comment: The Met879Leu in Exon 22 of MYH9: This variant is not expected to have clinical significance due to a lack of conservation across species, including mammals. Of note, cow, lizard and puffer fish have a leucine (Leu) at this position despite high nearby amino acid conservation. In addition, computational analyses (PolyP hen2, SIFT, AlignGVGD) do not suggest a high likelihood of impact to the protein . This variant has been identified in 1/8600 of European American chromosomes by the NHLBI Exome Sequencing Project and in 1% (2/200) Chinese chromosomes by the 1000 Genomes Project (dbSNP rs200328859).

PreventionGenetics, part of Exact Sciences
Classification: Likely benign for MYH9-related condition. Last evaluated: 2020-03-02. Review status: no assertion criteria provided. Collection method: clinical testing. Allele origin: germline. Not counted in ClinVar's aggregate classification.
Comment: This variant is classified as likely benign based on ACMG/AMP sequence variant interpretation guidelines (Richards et al. 2015 PMID: 25741868, with internal and published modifications).

NM_002473.6(MYH9):c.2635A>C (p.Met879Leu)

Genes: MYH9 (myosin heavy chain 9; minus strand), LOC126863137 (CDK7 strongly-dependent group 2 enhancer GRCh37_chr22:36696002-36697201; plus strand). Cytogenetic location: 22q12.3.
Variant type: single nucleotide variant.
Coding change: c.2635A>C on transcript NM_002473.6 (MANE Select); coding-DNA position 2635, A replaced by C.
Protein change: p.Met879Leu; replaces methionine 879 with leucine.
Molecular consequence: missense variant.
Genome position (GRCh38, 1-based): chr22:36,301,054, T>G on the plus strand (A>C on the coding strand, the complement: MYH9 is on the minus strand). VCF-style: chr22-36301054-T-G. GRCh37 (hg19) VCF-style: chr22-36697100-T-G.
Other names: c.2635A>C (NM_002473.5); short protein forms M879L.
Identifiers: ClinVar variation 164450 (VCV000164450.17), dbSNP rs200328859, ClinGen allele CA177123.